The following is an entry in ClinVar:

ClinVar aggregate classification (germline): Uncertain significance (1 of 4 stars; one submission).

Submission:

GeneDx
Classification: Uncertain significance. Last evaluated: 2023-12-18. Review status: criteria provided, single submitter. Criteria: GeneDx Variant Classification Process June 2021. Collection method: clinical testing. Allele origin: germline. Affected: yes.
Comment: Not observed at significant frequency in large population cohorts (gnomAD); In silico analysis supports that this missense variant does not alter protein structure/function; Has not been previously published as pathogenic or benign to our knowledge

NM_001967.4(EIF4A2):c.400G>T (p.Ala134Ser)

Gene: EIF4A2 (eukaryotic translation initiation factor 4A2; plus strand). Cytogenetic location: 3q27.3.
Variant type: single nucleotide variant.
Coding change: c.400G>T on transcript NM_001967.4 (MANE Select); coding-DNA position 400, G replaced by T.
Protein change: p.Ala134Ser; replaces alanine 134 with serine.
Molecular consequence: missense variant.
Genome position (GRCh38, 1-based): chr3:186,785,934, G>T. VCF-style: chr3-186785934-G-T. GRCh37 (hg19) VCF-style: chr3-186503723-G-T.
Other names: short protein forms A134S.
Identifiers: ClinVar variation 3369941 (VCV003369941.1).